The following is an entry in ClinVar:

ClinVar aggregate classification (germline): Pathogenic. Review status: criteria provided, multiple submitters, no conflicts (2 of 4 stars). 3 submissions from 3 submitters: Pathogenic (3). Last evaluated 2025-10-06.

Submissions (3):

Labcorp Genetics (formerly Invitae), Labcorp
Classification: Pathogenic. Last evaluated: 2025-10-06. Review status: criteria provided, single submitter. Criteria: Invitae Variant Classification Sherloc (09022015). Collection method: clinical testing. Allele origin: germline.
Comment: This sequence change creates a premature translational stop signal (p.Tyr776Thrfs*4) in the ABCC2 gene. It is expected to result in an absent or disrupted protein product. Loss-of-function variants in ABCC2 are known to be pathogenic (PMID: 9185779, 16549534, 16952291). This variant is not present in population databases (gnomAD no frequency). This premature translational stop signal has been observed in individual(s) with Dubin‐Johnson syndrome (PMID: 31544333). ClinVar contains an entry for this variant (Variation ID: 593794). For these reasons, this variant has been classified as Pathogenic.

Dasa
Classification: Pathogenic. Last evaluated: 2024-11-12. Review status: criteria provided, single submitter. Criteria: DASA Assertion Criteria. Collection method: clinical testing. Allele origin: germline.
Comment: NM_000392.5(ABCC2):c.2325del (p.Tyr776Thrfs*4) introduces a premature termination codon predicted to result in loss of normal protein function. Loss-of-function is an established mechanism of disease for this gene. This variant has been reported in individuals with related phenotype (PMID: 31544333). The variant is present at low frequency in population datasets. Based on the available data, this variant is classified as pathogenic.

Eurofins Ntd Llc (ga)
Classification: Pathogenic. Last evaluated: 2017-08-23. Review status: criteria provided, single submitter. Criteria: EGL Classification Definitions 2015. Collection method: clinical testing. Allele origin: germline. Observed: 2 variant alleles, 2 heterozygotes.

Literature cited by the submitters: PubMed 9185779 (cited by Labcorp Genetics (formerly Invitae), Labcorp); PubMed 16549534 (cited by Labcorp Genetics (formerly Invitae), Labcorp); PubMed 16952291 (cited by Labcorp Genetics (formerly Invitae), Labcorp); PubMed 31544333 (cited by Labcorp Genetics (formerly Invitae), Labcorp and Dasa).

NM_000392.5(ABCC2):c.2325del (p.Tyr776fs)

Gene: ABCC2 (ATP binding cassette subfamily C member 2; plus strand). Cytogenetic location: 10q24.2.
Variant type: Deletion.
Coding change: c.2325del on transcript NM_000392.5 (MANE Select); coding-DNA position 2325, one base deleted (C; older notation c.2325delC).
Protein change: p.Tyr776fs; shifts the reading frame from tyrosine 776.
Molecular consequence: frameshift variant.
Genome position (GRCh38, 1-based): chr10:99,818,843, C deleted; the last of 2 consecutive C bases (chr10:99,818,842-99,818,843); deleting either gives the same sequence. VCF-style (leftmost placement, unchanged base first): chr10-99818841-AC-A. GRCh37 (hg19) VCF-style: chr10-101578598-AC-A.
Other names: c.2325del, p.Tyr776fs (LRG_1208t1); short protein forms Y776fs.
Identifiers: ClinVar variation 593794 (VCV000593794.9), dbSNP rs1564688595, ClinGen allele CA913190047.